The following is an entry in ClinVar:

NM_007294.4(BRCA1):c.924C>A (p.Ser308Arg)

Gene: BRCA1 (BRCA1 DNA repair associated; minus strand). Cytogenetic location: 17q21.31.
Variant type: single nucleotide variant.
Coding change: c.924C>A on transcript NM_007294.4 (MANE Select); coding-DNA position 924, C replaced by A.
Protein change: p.Ser308Arg; replaces serine 308 with arginine.
Molecular consequence: missense variant. On other transcripts: intron variant (137).
Genome position (GRCh38, 1-based): chr17:43,094,607, G>T on the plus strand (C>A on the coding strand, the complement: BRCA1 is on the minus strand). VCF-style: chr17-43094607-G-T. GRCh37 (hg19) VCF-style: chr17-41246624-G-T.
Other names: c.783C>A, p.Ser261Arg (NM_007297.4, NM_001407692.1, NM_001407694.1 and 29 more transcripts); c.924C>A, p.Ser308Arg (NM_007300.4, NM_001407581.1, NM_001407582.1 and 30 more transcripts); c.646+137C>A (NM_001408458.1, NM_001408469.1, NM_001408453.1 and 11 more transcripts); c.283+137C>A (NM_001408512.1); c.406+137C>A (NM_001408510.1); c.643+137C>A (NM_001408470.1, NM_001408464.1, NM_001408468.1 and 3 more transcripts); c.784+137C>A (NM_001408397.1, NM_001408401.1, NM_001408396.1 and 13 more transcripts); c.664+137C>A (NM_001408436.1, NM_001408444.1, NM_001408438.1 and 12 more transcripts); and 40 more; short protein forms S261R, S308R, S219R, S240R, S281R, S305R, S140R, S196R.
Identifiers: ClinVar variation 4856537 (VCV004856537.1).

ClinVar aggregate classification (germline): Likely benign (1 of 4 stars; one submission).

Conditions:
Breast-ovarian cancer, familial, susceptibility to, 1 (BROVCA1). Also called: OVARIAN CANCER, SUSCEPTIBILITY TO; BRCA1 Hereditary Breast and Ovarian Cancer. Identifiers: Orphanet 145, MedGen C2676676, MONDO:0011450, OMIM 604370. Disease mechanism: loss of function.

gnomAD v4.1: 2 of 1,614,092 alleles (0.00012%); highest among the groups gnomAD compares: South Asian, 0.0022%; no homozygotes.

Submission:

Cancer Bioinformatics and Tumour Evolution Laboratory, Monash University
Classification: Likely benign for Breast-ovarian cancer, familial, susceptibility to, 1. Last evaluated: 2026-05-01. Review status: criteria provided, single submitter. Criteria: ClinGen BRCA1 and BRCA2 Guidelines, 2024. Collection method: curation. Allele origin: germline. Inheritance: Autosomal dominant inheritance.
Comment: PMID: 19770520 - S308 is an important phosphorylation site. Abrogation of phosphorylation at S308 results in increased cell death by apoptosis. This study analysed S308A and found that it could rescue Brca-KO mES cells. Further analysis into the cell cycle aspect did not reveal any significant changes b/w WT and mutant. But when embryoid body formation was induced, the S308A mutant body showed irregularities in the differentaiation of cells as compared to WT, suggesting this phosphorylation residue may play a role in differentiation. No definitive conclusions could be drawn about the functional impact of the variant. PMID: 31131967 - Large scale multifactorial likelihood analysis conducted on behalf of ENIGMA. Variant was detected in this study. LR values have been deposited in LOVD. LR values as of May 2026 are as follows: Family history LR = 5.693907831 Co-occurrence LR = 1.033092037 Combined LR = 5.882330841. This allows for the application of PP4_Moderate (Combined likelihood ratio of family history and co-occurrence is in the moderate pathogenic range, i.e., 4.30-18.70) Variant is also a missense outside of a functional domain with no predicted splice impact. Hence according to the BRCA1 and BRCA2 VCEP guidelines, BP1_Strong is applied. The VCEP uses a points system to resolve contradictory evidence. +2 points for path_moderate and -4 for benign_strong. This adds up to -2. This is in the LIKELY BENIGN range.

Literature cited by the submitters: PubMed 31131967.